The following is an entry in ClinVar:

NM_001363118.2(SLC52A2):c.1197_1198delinsT (p.Gly401fs)

Gene: SLC52A2 (solute carrier family 52 member 2; plus strand). Cytogenetic location: 8q24.3.
Variant type: Indel.
Coding change: c.1197_1198delinsT on transcript NM_001363118.2 (MANE Select); coding-DNA positions 1197 to 1198, CG replaced by T.
Protein change: p.Gly401fs; shifts the reading frame from glycine 401.
Molecular consequence: frameshift variant. On other transcripts: non-coding transcript variant (1).
Genome position (GRCh38, 1-based): chr8:144,360,874-144,360,875, CG replaced by T. VCF-style: chr8-144360874-CG-T. GRCh37 (hg19) VCF-style: chr8-145584534-CG-T.
Other names: c.1197_1198delinsT, p.Gly401fs (NM_001253815.2, NM_001253816.2, NM_001363120.2 and 2 more transcripts); c.705_706delinsT, p.Gly237fs (NM_001363122.2); c.933_934delinsT, p.Gly313fs (NM_001410949.1); short protein forms G237fs, G313fs, G401fs.
Identifiers: ClinVar variation 3897009 (VCV003897009.1).

ClinVar aggregate classification (germline): Likely pathogenic (1 of 4 stars; one submission).

Conditions:
Brown-Vialetto-van Laere syndrome 2. Also called: Riboflavin transporter deficiency type 2; SPINOCEREBELLAR ATAXIA WITH BLINDNESS AND DEAFNESS 2. Identifiers: Orphanet 572543, Orphanet 97229, MedGen C3553538, MONDO:0013867, OMIM 614707.

Submission:

Kariminejad - Najmabadi Pathology & Genetics Center
Classification: Likely pathogenic for Brown-Vialetto-van Laere syndrome 2. Last evaluated: 2022-04-13. Review status: criteria provided, single submitter. Criteria: ACMG Guidelines, 2015. Collection method: clinical testing. Allele origin: germline. Inheritance: Autosomal recessive inheritance. Affected: yes.
Comment: PM2, PVS1, PP4